The following is an entry in ClinVar:

ClinVar aggregate classification (germline): Pathogenic. Review status: criteria provided, multiple submitters, no conflicts (2 of 4 stars). 2 submissions from 2 submitters: Pathogenic (2). Last evaluated 2021-09-29.

Conditions:
Neuromuscular disease caused by qualitative or quantitative defects of dysferlin. Also called: Qualitative or quantitative defects of dysferlin; Dysferlinopathy. Identifiers: Orphanet 207073, MedGen C2931687, MONDO:0016145.

Submissions (2):

Labcorp Genetics (formerly Invitae), Labcorp
Classification: Pathogenic for Neuromuscular disease caused by qualitative or quantitative defects of dysferlin. Last evaluated: 2021-09-29. Review status: criteria provided, single submitter. Criteria: Invitae Variant Classification Sherloc (09022015). Collection method: clinical testing. Allele origin: germline.
Comment: This variant has not been reported in the literature in individuals affected with DYSF-related conditions. This sequence change creates a premature translational stop signal (p.Trp1077*) in the DYSF gene. It is expected to result in an absent or disrupted protein product. Loss-of-function variants in DYSF are known to be pathogenic (PMID: 17698709, 20301480). This variant is not present in population databases (ExAC no frequency). ClinVar contains an entry for this variant (Variation ID: 196625). Algorithms developed to predict the effect of sequence changes on RNA splicing suggest that this variant may create or strengthen a splice site. For these reasons, this variant has been classified as Pathogenic.

Eurofins Ntd Llc (ga)
Classification: Pathogenic. Last evaluated: 2014-11-20. Review status: criteria provided, single submitter. Criteria: EGL Classification Definitions 2015. Collection method: clinical testing. Allele origin: germline. Observed: 1 variant allele, 1 heterozygote.

Literature cited by the submitters: PubMed 17698709 (cited by Labcorp Genetics (formerly Invitae), Labcorp); PubMed 20301480 (cited by Labcorp Genetics (formerly Invitae), Labcorp).

NM_001130987.2(DYSF):c.3284G>A (p.Trp1095Ter)

Gene: DYSF (dysferlin; plus strand). Cytogenetic location: 2p13.2.
Variant type: single nucleotide variant.
Coding change: c.3284G>A on transcript NM_001130987.2 (MANE Select); coding-DNA position 3284, G replaced by A.
Protein change: p.Trp1095Ter; replaces tryptophan 1095 with a stop codon.
Molecular consequence: nonsense.
Genome position (GRCh38, 1-based): chr2:71,574,253, G>A. VCF-style: chr2-71574253-G-A. GRCh37 (hg19) VCF-style: chr2-71801383-G-A.
Other names: c.3233G>A, p.Trp1078Ter (NM_001130455.2, NM_001130983.2); c.3188G>A, p.Trp1063Ter (NM_001130976.2, NM_001130977.2); c.3230G>A, p.Trp1077Ter (NM_001130978.2, NM_003494.4); c.3323G>A, p.Trp1108Ter (NM_001130979.2); c.3281G>A, p.Trp1094Ter (NM_001130980.2, NM_001130981.2); c.3326G>A, p.Trp1109Ter (NM_001130982.2); c.3191G>A, p.Trp1064Ter (NM_001130984.2, NM_001130986.2); c.3284G>A, p.Trp1095Ter (NM_001130985.2); short protein forms W1077*, W1095*, W1094*, W1078*, W1109*, W1063*, W1064*, W1108*.
Identifiers: ClinVar variation 196625 (VCV000196625.10), dbSNP rs794727534, ClinGen allele CA275194.
Genomic context (GRCh38, chr2:71,574,253, plus strand): 5'-TGCAGCACAGGCAGGCGGAGGCGGAGGGCGAGGGCTGGGAGTACGCCTCTCTTTTTGGCT[G>A]GAAGTTCCACCTCGAGTACCGCAAGACAGATGCCTTCCGCCGCCGCCGCTGGCGCCGTCG-3'